The following is an entry in ClinVar:

ClinVar aggregate classification (germline): Likely pathogenic (1 of 4 stars; one submission).

gnomAD v4.1: 2 of 1,614,190 alleles (0.00012%); highest among the groups gnomAD compares: Non-Finnish European, 0.00017%; no homozygotes.

Submission:

Dasa
Classification: Likely pathogenic. Last evaluated: 2025-07-14. Review status: criteria provided, single submitter. Criteria: DASA Assertion Criteria. Collection method: clinical testing. Allele origin: germline.
Comment: NM_019023.5(PRMT7):c.547C>T (p.Gln183*) is a nonsense variant in PRMT7 predicted to introduce a premature termination codon and is predicted to result in an absent or altered protein product. Loss of function is an established disease mechanism for PRMT7-associated disorders. Also, this variant is rare in population databases. Based on the currently available evidence, this variant is classified as likely pathogenic.

NM_019023.5(PRMT7):c.547C>T (p.Gln183Ter)

Gene: PRMT7 (protein arginine methyltransferase 7; plus strand). Cytogenetic location: 16q22.1.
Variant type: single nucleotide variant.
Coding change: c.547C>T on transcript NM_019023.5 (MANE Select); coding-DNA position 547, C replaced by T.
Protein change: p.Gln183Ter; replaces glutamine 183 with a stop codon.
Molecular consequence: nonsense. On other transcripts: non-coding transcript variant (12).
Genome position (GRCh38, 1-based): chr16:68,339,364, C>T. VCF-style: chr16-68339364-C-T. GRCh37 (hg19) VCF-style: chr16-68373267-C-T.
Other names: c.547C>T, p.Gln183Ter (NM_001351144.3, NM_001378018.1, NM_001290018.2 and 1 more transcripts); c.340C>T, p.Gln114Ter (NM_001378020.1); c.310C>T, p.Gln104Ter (NM_001378021.1, NM_001378022.1, NM_001378023.1); c.397C>T, p.Gln133Ter (NM_001184824.4); short protein forms Q104*, Q114*, Q133*, Q183*.
Identifiers: ClinVar variation 4883968 (VCV004883968.2).